The following is an entry in ClinVar:

NM_004655.4(AXIN2):c.113C>T (p.Pro38Leu)

Gene: AXIN2 (axin 2; minus strand). Cytogenetic location: 17q24.1.
Variant type: single nucleotide variant.
Coding change: c.113C>T on transcript NM_004655.4 (MANE Select); coding-DNA position 113, C replaced by T.
Protein change: p.Pro38Leu; replaces proline 38 with leucine.
Molecular consequence: missense variant.
Genome position (GRCh38, 1-based): chr17:65,558,508, G>A on the plus strand (C>T on the coding strand, the complement: AXIN2 is on the minus strand). VCF-style: chr17-65558508-G-A. GRCh37 (hg19) VCF-style: chr17-63554626-G-A.
Other names: c.113C>T, p.Pro38Leu (NM_001363813.1); c.113C>T (LRG_296t1); short protein forms P38L.
Identifiers: ClinVar variation 533144 (VCV000533144.13), dbSNP rs1555583744, ClinGen allele CA400682145.

ClinVar aggregate classification (germline): Conflicting classifications of pathogenicity. Review status: criteria provided, conflicting classifications (1 of 4 stars). 2 submissions from 2 submitters: Uncertain significance (1); Likely benign (1). Last evaluated 2025-11-17.

Conditions:
Hereditary cancer-predisposing syndrome. Also called: Hereditary neoplastic syndrome; Neoplastic Syndromes, Hereditary; Tumor predisposition; Hereditary Cancer Syndrome. Identifiers: Orphanet 140162, MedGen C0027672, MeSH D009386, MONDO:0015356.
Oligodontia-cancer predisposition syndrome. Also called: TOOTH AGENESIS-COLORECTAL CANCER SYNDROME. Identifiers: Orphanet 300576, MedGen C1837750, MONDO:0012075, OMIM 608615. Disease mechanism: loss of function.

Allele frequency attached by ClinVar (database versions not stated): gnomAD exomes below 0.00001.
gnomAD v4.1: 1 of 1,613,388 alleles (0.000062%); highest among the groups gnomAD compares: South Asian, 0.0011%; no homozygotes.

Submissions (2):

Labcorp Genetics (formerly Invitae), Labcorp
Classification: Uncertain significance for Oligodontia-cancer predisposition syndrome. Last evaluated: 2025-11-17. Review status: criteria provided, single submitter. Criteria: Invitae Variant Classification Sherloc (09022015). Collection method: clinical testing. Allele origin: germline.
Comment: This sequence change replaces proline, which is neutral and non-polar, with leucine, which is neutral and non-polar, at codon 38 of the AXIN2 protein (p.Pro38Leu). This variant is not present in population databases (gnomAD no frequency). This variant has not been reported in the literature in individuals affected with AXIN2-related conditions. ClinVar contains an entry for this variant (Variation ID: 533144). Invitae Evidence Modeling of protein sequence and biophysical properties (such as structural, functional, and spatial information, amino acid conservation, physicochemical variation, residue mobility, and thermodynamic stability) indicates that this missense variant is not expected to disrupt AXIN2 protein function with a negative predictive value of 80%. In summary, the available evidence is currently insufficient to determine the role of this variant in disease. Therefore, it has been classified as a Variant of Uncertain Significance.

Ambry Genetics
Classification: Likely benign for Hereditary cancer-predisposing syndrome. Last evaluated: 2021-08-15. Review status: criteria provided, single submitter. Criteria: Ambry Variant Classification Scheme 2023. Collection method: clinical testing. Allele origin: germline.